The following is an entry in ClinVar:

ClinVar aggregate classification (germline): Uncertain significance. Review status: criteria provided, multiple submitters, no conflicts (2 of 4 stars). 3 submissions from 3 submitters: Uncertain significance (3). Last evaluated 2025-12-02.

Conditions:
Leukocyte adhesion deficiency 1 (LAD1). Also called: Lymphocyte function-associated antigen 1 immunodeficiency; LFA 1 immunodeficiency; LEUKOCYTE ADHESION DEFICIENCY, TYPE I; LAD 1. Identifiers: Orphanet 2968, Orphanet 99842, MedGen C0398738, MONDO:0007293, OMIM 116920.
Inborn genetic diseases. Identifiers: MedGen C0950123, MeSH D030342.

Allele frequency attached by ClinVar (database versions not stated): gnomAD 0.00001.
gnomAD v4.1: 30 of 1,611,490 alleles (0.0019%); highest among the groups gnomAD compares: Non-Finnish European, 0.0024%; no homozygotes.

Submissions (3):

Labcorp Genetics (formerly Invitae), Labcorp
Classification: Uncertain significance for Leukocyte adhesion deficiency 1. Last evaluated: 2025-12-02. Review status: criteria provided, single submitter. Criteria: Invitae Variant Classification Sherloc (09022015). Collection method: clinical testing. Allele origin: germline.
Comment: This sequence change replaces glutamic acid, which is acidic and polar, with lysine, which is basic and polar, at codon 677 of the ITGB2 protein (p.Glu677Lys). This variant is present in population databases (no rsID available, gnomAD 0.0009%). This variant has not been reported in the literature in individuals affected with ITGB2-related conditions. ClinVar contains an entry for this variant (Variation ID: 2171398). An algorithm developed to predict the effect of missense changes on protein structure and function outputs the following: PolyPhen-2: "Benign". The lysine amino acid residue is found in multiple mammalian species, which suggests that this missense change does not adversely affect protein function. In summary, the available evidence is currently insufficient to determine the role of this variant in disease. Therefore, it has been classified as a Variant of Uncertain Significance.

Ambry Genetics
Classification: Uncertain significance for Inborn genetic diseases. Last evaluated: 2025-10-29. Review status: criteria provided, single submitter. Criteria: Ambry Variant Classification Scheme 2023. Collection method: clinical testing. Allele origin: germline.

Mayo Clinic Laboratories, Mayo Clinic
Classification: Uncertain significance. Last evaluated: 2025-03-17. Review status: criteria provided, single submitter. Criteria: ACMG Guidelines, 2015. Collection method: clinical testing. Allele origin: germline. Observed: 1 variant allele.
Comment: BP4, PM2_supporting

NM_000211.5(ITGB2):c.2029G>A (p.Glu677Lys)

Gene: ITGB2 (integrin subunit beta 2; minus strand). Cytogenetic location: 21q22.3.
Variant type: single nucleotide variant.
Coding change: c.2029G>A on transcript NM_000211.5 (MANE Select); coding-DNA position 2029, G replaced by A.
Protein change: p.Glu677Lys; replaces glutamic acid 677 with lysine.
Molecular consequence: missense variant.
Genome position (GRCh38, 1-based): chr21:44,888,744, C>T on the plus strand (G>A on the coding strand, the complement: ITGB2 is on the minus strand). VCF-style: chr21-44888744-C-T. GRCh37 (hg19) VCF-style: chr21-46308659-C-T.
Other names: p.Glu677Lys; c.2029G>A, p.Glu677Lys (NM_001127491.3); c.1822G>A, p.Glu608Lys (NM_001303238.2); short protein forms E677K, E608K.
Identifiers: ClinVar variation 2171398 (VCV002171398.3), dbSNP rs374293657, ClinGen allele CA321892528.